The following is an entry in ClinVar:

ClinVar aggregate classification (germline): Pathogenic. Review status: criteria provided, single submitter (1 of 4 stars). 2 submissions from 2 submitters: Pathogenic (1). 1 of the submissions does not count toward it. Last evaluated 2023-09-17.

Conditions:
Congenital lipoid adrenal hyperplasia due to STAR deficency. Also called: Congenital Lipoid Adrenal Hyperplasia; Lipoid adrenal hyperplasia; Cholesterol monooxygenase (side-chain cleaving) deficiency; ADRENAL HYPERPLASIA I. Identifiers: Orphanet 418, Orphanet 90790, MedGen C0342474, MONDO:0008725, OMIM 201710.

Allele frequency attached by ClinVar (database versions not stated): gnomAD 0.00001; TOPMed 0.00001; ExAC 0.00002; ESP Exome Variant Server 0.00008.

Submissions (2):

Labcorp Genetics (formerly Invitae), Labcorp
Classification: Pathogenic. Last evaluated: 2023-09-17. Review status: criteria provided, single submitter. Criteria: Invitae Variant Classification Sherloc (09022015). Collection method: clinical testing. Allele origin: germline.
Comment: This sequence change creates a premature translational stop signal (p.Pro210Argfs*26) in the STAR gene. While this is not anticipated to result in nonsense mediated decay, it is expected to disrupt the last 76 amino acid(s) of the STAR protein. This variant is present in population databases (rs771895449, gnomAD 0.0009%). This premature translational stop signal has been observed in individual(s) with lipoid adrenal hyperplasia (PMID: 15985476). ClinVar contains an entry for this variant (Variation ID: 370502). Algorithms developed to predict the effect of variants on protein structure and function are not available or were not evaluated for this variant. Experimental studies have shown that this premature translational stop signal affects STAR function (PMID: 15985476). This variant disrupts a region of the STAR protein in which other variant(s) (p.Gln258*) have been determined to be pathogenic (PMID: 8948562, 9097960, 22028173, 28467518). This suggests that this is a clinically significant region of the protein, and that variants that disrupt it are likely to be disease-causing. For these reasons, this variant has been classified as Pathogenic.

Counsyl
Classification: Likely pathogenic for Congenital lipoid adrenal hyperplasia due to STAR deficency. Last evaluated: 2016-11-11. Review status: no assertion criteria provided. Collection method: clinical testing. Allele origin: unknown. Not counted in ClinVar's aggregate classification.

Literature cited by the submitters: PubMed 15985476 (cited by Labcorp Genetics (formerly Invitae), Labcorp and Counsyl); PubMed 8948562 (cited by Labcorp Genetics (formerly Invitae), Labcorp); PubMed 9097960 (cited by Labcorp Genetics (formerly Invitae), Labcorp); PubMed 22028173 (cited by Labcorp Genetics (formerly Invitae), Labcorp); PubMed 28467518 (cited by Labcorp Genetics (formerly Invitae), Labcorp).

NM_000349.3(STAR):c.629_630del (p.Pro210fs)

Gene: STAR (steroidogenic acute regulatory protein; minus strand). Cytogenetic location: 8p11.23.
Variant type: Deletion.
Coding change: c.629_630del on transcript NM_000349.3 (MANE Select); coding-DNA positions 629 to 630, 2 bases deleted (CT; older notation c.629_630delCT).
Protein change: p.Pro210fs; shifts the reading frame from proline 210.
Molecular consequence: frameshift variant.
Genome position (GRCh38, 1-based): chr8:38,145,983-38,145,984, AG deleted on the plus strand (CT on the coding strand, the reverse complement: STAR is on the minus strand). VCF-style (leftmost placement, unchanged base first): chr8-38145982-CAG-C. GRCh37 (hg19) VCF-style: chr8-38003500-CAG-C.
Other names: c.629_630del (NM_000349.2); short protein forms P210fs.
Identifiers: ClinVar variation 370502 (VCV000370502.9), dbSNP rs771895449, ClinGen allele CA4715202.
Genomic context (GRCh38, chr8:38,145,982, plus strand): 5'-GTGTTAGAAGAGGGGGGTTTGGAGCCTGCTGCCCGTATTACCTGATGACACCCTTCTGCT[CAG>C]GCATGTTCCCGAAGTCTGTGGCCATGCCAGCCAGCACACAGGTGGAGCCTCGGCGCTTGG-3'